The following is an entry in ClinVar:

NM_000400.4(ERCC2):c.1758+8T>A

Gene: ERCC2 (ERCC excision repair 2, TFIIH core complex helicase subunit; minus strand). Cytogenetic location: 19q13.32.
Variant type: single nucleotide variant.
Coding change: c.1758+8T>A on transcript NM_000400.4 (MANE Select); 8 bases into the intron after coding-DNA position 1758, T replaced by A.
Molecular consequence: intron variant.
Genome position (GRCh38, 1-based): chr19:45,353,234, A>T on the plus strand (T>A on the coding strand, the complement: ERCC2 is on the minus strand). VCF-style: chr19-45353234-A-T. GRCh37 (hg19) VCF-style: chr19-45856492-A-T.
Identifiers: ClinVar variation 2100516 (VCV002100516.4), dbSNP rs546806453, ClinGen allele CA9513118.

ClinVar aggregate classification (germline): Uncertain significance (1 of 4 stars; one submission).

Allele frequency attached by ClinVar (database versions not stated): ExAC 0.00001; gnomAD 0.00001; 1000 Genomes Project 0.00020; 1000 Genomes Project 30x 0.00031.
gnomAD v4.1: 2 of 1,613,032 alleles (0.00012%); highest among the groups gnomAD compares: Admixed American, 0.0017%; no homozygotes.

Submission:

Labcorp Genetics (formerly Invitae), Labcorp
Classification: Uncertain significance. Last evaluated: 2022-02-20. Review status: criteria provided, single submitter. Criteria: Invitae Variant Classification Sherloc (09022015). Collection method: clinical testing. Allele origin: germline.
Comment: In summary, the available evidence is currently insufficient to determine the role of this variant in disease. Therefore, it has been classified as a Variant of Uncertain Significance. Algorithms developed to predict the effect of sequence changes on RNA splicing suggest that this variant may create or strengthen a splice site. This variant has not been reported in the literature in individuals affected with ERCC2-related conditions. This variant is not present in population databases (gnomAD no frequency). This sequence change falls in intron 18 of the ERCC2 gene. It does not directly change the encoded amino acid sequence of the ERCC2 protein.